The following is an entry in ClinVar:

ClinVar aggregate classification (germline): Uncertain significance (1 of 4 stars; one submission).

Submission:

GeneDx
Classification: Uncertain significance. Last evaluated: 2019-10-01. Review status: criteria provided, single submitter. Criteria: GeneDx Variant Classification Process June 2021. Collection method: clinical testing. Allele origin: germline. Affected: yes.
Comment: Has not been previously published as pathogenic or benign to our knowledge; Not observed in large population cohorts (Lek et al., 2016); In silico analysis, which includes protein predictors and evolutionary conservation, supports a deleterious effect

NM_080680.3(COL11A2):c.1553C>A (p.Pro518His)

Gene: COL11A2 (collagen type XI alpha 2 chain; minus strand). Cytogenetic location: 6p21.32.
Variant type: single nucleotide variant.
Coding change: c.1553C>A on transcript NM_080680.3 (MANE Select); coding-DNA position 1553, C replaced by A.
Protein change: p.Pro518His; replaces proline 518 with histidine.
Molecular consequence: missense variant.
Genome position (GRCh38, 1-based): chr6:33,179,235, G>T on the plus strand (C>A on the coding strand, the complement: COL11A2 is on the minus strand). VCF-style: chr6-33179235-G-T. GRCh37 (hg19) VCF-style: chr6-33147012-G-T.
Other names: c.1232C>A, p.Pro411His (NM_080679.3); c.1295C>A, p.Pro432His (NM_080681.3); short protein forms P411H, P432H, P518H.
Identifiers: ClinVar variation 1308982 (VCV001308982.2), dbSNP rs2150579645, ClinGen allele CA363605601.